The following is an entry in ClinVar:

ClinVar aggregate classification (germline): Uncertain significance. Review status: criteria provided, multiple submitters, no conflicts (2 of 4 stars). 3 submissions from 3 submitters: Uncertain significance (3). Last evaluated 2023-05-04.

Conditions:
Nephrotic syndrome, type 6 (NPHS6). Identifiers: Orphanet 656, MedGen C3280100, MONDO:0013619, OMIM 614196.

Allele frequency attached by ClinVar (database versions not stated): gnomAD 0.00001; ExAC 0.00003; TOPMed 0.00003; ESP Exome Variant Server 0.00008.

Submissions (3):

Ambry Genetics
Classification: Uncertain significance. Last evaluated: 2023-05-04. Review status: criteria provided, single submitter. Criteria: Ambry Variant Classification Scheme 2023. Collection method: clinical testing. Allele origin: germline.

Fulgent Genetics
Classification: Uncertain significance for Nephrotic syndrome, type 6. Last evaluated: 2022-02-09. Review status: criteria provided, single submitter. Criteria: ACMG Guidelines, 2015. Collection method: clinical testing. Allele origin: unknown.

Labcorp Genetics (formerly Invitae), Labcorp
Classification: Uncertain significance. Last evaluated: 2021-11-25. Review status: criteria provided, single submitter. Criteria: Invitae Variant Classification Sherloc (09022015). Collection method: clinical testing. Allele origin: germline.
Comment: In summary, the available evidence is currently insufficient to determine the role of this variant in disease. Therefore, it has been classified as a Variant of Uncertain Significance. Algorithms developed to predict the effect of missense changes on protein structure and function (SIFT, PolyPhen-2, Align-GVGD) all suggest that this variant is likely to be disruptive. This variant has not been reported in the literature in individuals affected with PTPRO-related conditions. This variant is present in population databases (rs376857700, gnomAD 0.009%). This sequence change replaces methionine, which is neutral and non-polar, with threonine, which is neutral and polar, at codon 166 of the PTPRO protein (p.Met166Thr).

NM_030667.3(PTPRO):c.497T>C (p.Met166Thr)

Gene: PTPRO (protein tyrosine phosphatase receptor type O; plus strand). Cytogenetic location: 12p12.3.
Variant type: single nucleotide variant.
Coding change: c.497T>C on transcript NM_030667.3 (MANE Select); coding-DNA position 497, T replaced by C.
Protein change: p.Met166Thr; replaces methionine 166 with threonine.
Molecular consequence: missense variant.
Genome position (GRCh38, 1-based): chr12:15,497,392, T>C. VCF-style: chr12-15497392-T-C. GRCh37 (hg19) VCF-style: chr12-15650326-T-C.
Other names: c.497T>C, p.Met166Thr (NM_002848.4); c.497T>C (NM_030667.2); short protein forms M166T.
Identifiers: ClinVar variation 1516890 (VCV001516890.8), dbSNP rs376857700, ClinGen allele CA6466277.